The following is an entry in ClinVar:

NM_000135.4(FANCA):c.2230C>G (p.Pro744Ala)

Gene: FANCA (FA complementation group A; minus strand). Cytogenetic location: 16q24.3.
Variant type: single nucleotide variant.
Coding change: c.2230C>G on transcript NM_000135.4 (MANE Select); coding-DNA position 2230, C replaced by G.
Protein change: p.Pro744Ala; replaces proline 744 with alanine.
Molecular consequence: missense variant.
Genome position (GRCh38, 1-based): chr16:89,770,252, G>C on the plus strand (C>G on the coding strand, the complement: FANCA is on the minus strand). VCF-style: chr16-89770252-G-C. GRCh37 (hg19) VCF-style: chr16-89836660-G-C.
Other names: c.2230C>G, p.Pro744Ala (NM_001286167.3); short protein forms P744A.
Identifiers: ClinVar variation 4254180 (VCV004254180.1).
Genomic context (GRCh38, chr16:89,770,252, plus strand): 5'-GGGTGAGCACTGCAGGGAGCACACGTCCACACATGGTCCTCACGAAGAGGGCAGCCCAGG[G>C]ACCCTGCCTGCAGAGACAGCCGTGAAACCATCAGTACTAGCCATTCAGTCCTGCACATCC-3'
Protein context (NP_000126.2, residues 734-754): SSVAPPERQG[Pro744Ala]WAALFVRTMC

ClinVar aggregate classification (germline): Uncertain significance (1 of 4 stars; one submission).

Conditions:
Inborn genetic diseases. Identifiers: MedGen C0950123, MeSH D030342.

Submission:

Ambry Genetics
Classification: Uncertain significance for Inborn genetic diseases. Last evaluated: 2025-07-05. Review status: criteria provided, single submitter. Criteria: Ambry Variant Classification Scheme 2023. Collection method: clinical testing. Allele origin: germline.
Comment: The p.P744A variant (also known as c.2230C>G), located in coding exon 25 of the FANCA gene, results from a C to G substitution at nucleotide position 2230. The proline at codon 744 is replaced by alanine, an amino acid with highly similar properties. This amino acid position is conserved. In addition, this alteration is predicted to be tolerated by in silico analysis. Based on the available evidence, the clinical significance of this variant remains unclear.